The following is an entry in ClinVar:

ClinVar aggregate classification (germline): Uncertain significance (1 of 4 stars; one submission).

Submission:

GeneDx
Classification: Uncertain significance. Last evaluated: 2024-08-20. Review status: criteria provided, single submitter. Criteria: GeneDx Variant Classification Process June 2021. Collection method: clinical testing. Allele origin: germline. Affected: yes.
Comment: Not observed at significant frequency in large population cohorts (gnomAD); In-frame deletion of 2 amino acids in a non-repeat region; In silico analysis indicates that this variant does not alter protein structure/function; Has not been previously published as pathogenic or benign to our knowledge

NM_152641.4(ARID2):c.3550_3555del (p.Pro1184_Ala1185del)

Gene: ARID2 (AT-rich interaction domain 2; plus strand). Cytogenetic location: 12q12.
Variant type: Deletion.
Coding change: c.3550_3555del on transcript NM_152641.4 (MANE Select); coding-DNA positions 3550 to 3555, 6 bases deleted (CCTGCA; older notation c.3550_3555delCCTGCA).
Protein change: p.Pro1184_Ala1185del.
Genome position (GRCh38, 1-based): chr12:45,851,673-45,851,678, CCTGCA deleted; deleting any 6 consecutive bases within chr12:45,851,669-45,851,678 gives the same sequence; the c. name uses the placement nearest the transcript's 3' end. VCF-style (leftmost placement, unchanged base first): chr12-45851668-TTGCACC-T. GRCh37 (hg19) VCF-style: chr12-46245451-TTGCACC-T.
Other names: c.3550_3555del, p.Pro1184_Ala1185del (NM_001347839.2).
Identifiers: ClinVar variation 3764218 (VCV003764218.1).